The following is an entry in ClinVar:

ClinVar aggregate classification (germline): Uncertain significance. Review status: criteria provided, multiple submitters, no conflicts (2 of 4 stars). 2 submissions from 2 submitters: Uncertain significance (2). Last evaluated 2025-12-16.

Conditions:
Hypertrophic cardiomyopathy. Also called: HYPERTROPHIC MYOCARDIOPATHY. Identifiers: Orphanet 217569, MedGen C0007194, MeSH D002312, MONDO:0005045, HP:0001639.

gnomAD v4.1: 11 of 1,597,584 alleles (0.00069%); highest among the groups gnomAD compares: Non-Finnish European, 0.00094%; no homozygotes.

Submissions (2):

Ambry Genetics
Classification: Uncertain significance. Last evaluated: 2025-12-16. Review status: criteria provided, single submitter. Criteria: Ambry Variant Classification Scheme 2023. Collection method: clinical testing. Allele origin: germline.
Comment: The p.N1000T variant (also known as c.2999A>C), located in coding exon 19 of the MYOM1 gene, results from an A to C substitution at nucleotide position 2999. The asparagine at codon 1000 is replaced by threonine, an amino acid with similar properties. This amino acid position is conserved. In addition, this alteration is predicted to be tolerated by in silico analysis. Based on the available evidence, the clinical significance of this variant remains unclear.

Labcorp Genetics (formerly Invitae), Labcorp
Classification: Uncertain significance for Hypertrophic cardiomyopathy. Last evaluated: 2025-12-09. Review status: criteria provided, single submitter. Criteria: Invitae Variant Classification Sherloc (09022015). Collection method: clinical testing. Allele origin: germline.
Comment: This sequence change replaces asparagine, which is neutral and polar, with threonine, which is neutral and polar, at codon 1000 of the MYOM1 protein (p.Asn1000Thr). This variant is present in population databases (no rsID available, gnomAD 0.001%). This variant has not been reported in the literature in individuals affected with MYOM1-related conditions. Invitae Evidence Modeling of protein sequence and biophysical properties (such as structural, functional, and spatial information, amino acid conservation, physicochemical variation, residue mobility, and thermodynamic stability) indicates that this missense variant is not expected to disrupt MYOM1 protein function with a negative predictive value of 80%. In summary, the available evidence is currently insufficient to determine the role of this variant in disease. Therefore, it has been classified as a Variant of Uncertain Significance.

NM_003803.4(MYOM1):c.2999A>C (p.Asn1000Thr)

Gene: MYOM1 (myomesin 1; minus strand). Cytogenetic location: 18p11.31.
Variant type: single nucleotide variant.
Coding change: c.2999A>C on transcript NM_003803.4 (MANE Select); coding-DNA position 2999, A replaced by C.
Protein change: p.Asn1000Thr; replaces asparagine 1000 with threonine.
Molecular consequence: missense variant.
Genome position (GRCh38, 1-based): chr18:3,119,988, T>G on the plus strand (A>C on the coding strand, the complement: MYOM1 is on the minus strand). VCF-style: chr18-3119988-T-G. GRCh37 (hg19) VCF-style: chr18-3119986-T-G.
Other names: c.2711A>C, p.Asn904Thr (NM_019856.2); short protein forms N1000T, N904T.
Identifiers: ClinVar variation 4750215 (VCV004750215.2).